The following is an entry in ClinVar:

NM_005612.5(REST):c.3235C>T (p.Leu1079Phe)

Gene: REST (RE1 silencing transcription factor; plus strand). Cytogenetic location: 4q12.
Variant type: single nucleotide variant.
Coding change: c.3235C>T on transcript NM_005612.5 (MANE Select); coding-DNA position 3235, C replaced by T.
Protein change: p.Leu1079Phe; replaces leucine 1079 with phenylalanine.
Molecular consequence: missense variant.
Genome position (GRCh38, 1-based): chr4:56,932,093, C>T. VCF-style: chr4-56932093-C-T. GRCh37 (hg19) VCF-style: chr4-57798259-C-T.
Other names: c.3235C>T, p.Leu1079Phe (NM_001193508.2, NM_001363453.3); short protein forms L1079F.
Identifiers: ClinVar variation 1498558 (VCV001498558.8), dbSNP rs2109579932, ClinGen allele CA357010516.

ClinVar aggregate classification (germline): Uncertain significance (1 of 4 stars; one submission).

Allele frequency attached by ClinVar (database versions not stated): gnomAD exomes below 0.00001.
gnomAD v4.1: 1 of 1,614,216 alleles (0.000062%); highest among the groups gnomAD compares: Non-Finnish European, 0.000085%; no homozygotes.

Submission:

Labcorp Genetics (formerly Invitae), Labcorp
Classification: Uncertain significance. Last evaluated: 2022-01-08. Review status: criteria provided, single submitter. Criteria: Invitae Variant Classification Sherloc (09022015). Collection method: clinical testing. Allele origin: germline.
Comment: This sequence change replaces leucine, which is neutral and non-polar, with phenylalanine, which is neutral and non-polar, at codon 1079 of the REST protein (p.Leu1079Phe). This variant is not present in population databases (gnomAD no frequency). This variant has not been reported in the literature in individuals affected with REST-related conditions. Algorithms developed to predict the effect of missense changes on protein structure and function are either unavailable or do not agree on the potential impact of this missense change (SIFT: "Deleterious"; PolyPhen-2: "Probably Damaging"; Align-GVGD: "Class C0"). In summary, the available evidence is currently insufficient to determine the role of this variant in disease. Therefore, it has been classified as a Variant of Uncertain Significance.